The following is an entry in ClinVar:

NM_152263.4(TPM3):c.*5640C>T

Gene: TPM3 (tropomyosin 3; minus strand). Cytogenetic location: 1q21.3.
Variant type: single nucleotide variant.
Coding change: c.*5640C>T on transcript NM_152263.4 (MANE Select); 5640 bases downstream of the stop codon, C replaced by T.
Molecular consequence: 3 prime UTR variant. On other transcripts: intron variant (12).
Genome position (GRCh38, 1-based): chr1:154,162,297, G>A on the plus strand (C>T on the coding strand, the complement: TPM3 is on the minus strand). VCF-style: chr1-154162297-G-A. GRCh37 (hg19) VCF-style: chr1-154134773-G-A.
Other names: c.*5640C>T (NM_001364682.1, NM_001364683.1); c.776-4576C>T (NM_001364679.2, NM_001364680.2); c.776-3249C>T (NM_001364681.2); c.467-4576C>T (NM_001278188.2); c.665-4576C>T (NM_001043351.2, NM_153649.4); c.665-3249C>T (NM_001043353.2, NM_001043352.2); c.744-4576C>T (NM_001349679.2, NM_001278189.2); c.602-4576C>T (NM_001278190.2); and 1 more.
Identifiers: ClinVar variation 874704 (VCV000874704.4), dbSNP rs564296987, ClinGen allele CA30762609.

ClinVar aggregate classification (germline): Conflicting classifications of pathogenicity. Review status: criteria provided, conflicting classifications (1 of 4 stars). 2 submissions from 1 submitter: Uncertain significance (1); Likely benign (1). Last evaluated 2018-01-12.

Conditions:
Congenital myopathy with fiber type disproportion. Also called: Congenital fiber-type disproportion myopathy; Congenital fiber-type disproportion. Identifiers: Orphanet 2020, MedGen C0546264, MONDO:0009711. Inheritance: all.
Congenital myopathy 4B, autosomal recessive. Also called: Nemaline myopathy 1, autosomal dominant or recessive. Identifiers: Orphanet 171433, Orphanet 171439, Orphanet 171881, MedGen C5829889, MONDO:0012239, OMIM 609284.

Allele frequency attached by ClinVar (database versions not stated): 1000 Genomes Project 0.00060; 1000 Genomes Project 30x 0.00094; gnomAD 0.00240 and 0.00257; TOPMed 0.00240.
gnomAD v4.1: 353 of 149,808 alleles (0.24%); highest among the groups gnomAD compares: African/African-American, 0.75%; 1 homozygote.

Submissions (2):

Illumina Laboratory Services, Illumina
Classification: Uncertain significance for Congenital myopathy 4B, autosomal recessive. Last evaluated: 2018-01-12. Review status: criteria provided, single submitter. Criteria: ICSL Variant Classification Criteria 13 December 2019. Collection method: clinical testing. Allele origin: germline.

Illumina Laboratory Services, Illumina
Classification: Likely benign for Congenital myopathy 4A, autosomal dominant. Last evaluated: 2018-01-12. Review status: criteria provided, single submitter. Criteria: ICSL Variant Classification Criteria 13 December 2019. Collection method: clinical testing. Allele origin: germline.
Comment: This variant was observed in the ICSL laboratory as part of a predisposition screen in an ostensibly healthy population. It had not been previously curated by ICSL or reported in the Human Gene Mutation Database (HGMD: prior to June 1st, 2018), and was therefore a candidate for classification through an automated scoring system. Utilizing variant allele frequency, disease prevalence and penetrance estimates, and inheritance mode, an automated score was calculated to assess if this variant is too frequent to cause the disease. Based on the score and internal cut-off values, a variant classified as likely benign is not then subjected to further curation. The score for this variant resulted in a classification of likely benign for this disease.